The following is an entry in ClinVar:

ClinVar aggregate classification (germline): Uncertain significance (1 of 4 stars; one submission).

gnomAD v4.1: 62 of 1,613,942 alleles (0.0038%); highest among the groups gnomAD compares: Non-Finnish European, 0.0051%; no homozygotes.

Submission:

Ambry Genetics
Classification: Uncertain significance. Last evaluated: 2025-10-21. Review status: criteria provided, single submitter. Criteria: Ambry Variant Classification Scheme 2023. Collection method: clinical testing. Allele origin: germline.
Comment: The c.2125T>A (p.F709I) alteration is located in exon 18 (coding exon 18) of the MYO16 gene. This alteration results from a T to A substitution at nucleotide position 2125, causing the phenylalanine (F) at amino acid position 709 to be replaced by an isoleucine (I). Based on data from gnomAD, the A allele has an overall frequency of 0.003% (8/282758) total alleles studied. The highest observed frequency was 0.006% (8/129088) of European (non-Finnish) alleles. Based on insufficient or conflicting evidence, the clinical significance of this alteration remains unclear.

NM_001198950.3(MYO16):c.2125T>A (p.Phe709Ile)

Gene: MYO16 (myosin XVI; plus strand). Cytogenetic location: 13q33.3.
Variant type: single nucleotide variant.
Coding change: c.2125T>A on transcript NM_001198950.3 (MANE Select); coding-DNA position 2125, T replaced by A.
Protein change: p.Phe709Ile; replaces phenylalanine 709 with isoleucine.
Molecular consequence: missense variant.
Genome position (GRCh38, 1-based): chr13:108,961,626, T>A. VCF-style: chr13-108961626-T-A. GRCh37 (hg19) VCF-style: chr13-109613974-T-A.
Other names: c.2059T>A, p.Phe687Ile (NM_015011.3); short protein forms F687I, F709I.
Identifiers: ClinVar variation 4554996 (VCV004554996.1).
Genomic context (GRCh38, chr13:108,961,626, plus strand): 5'-GCAGCAATATTGCACCTTGGAGACATTCGGTTTACTGCCCTGAATGAGGGGAACTCCGCC[T>A]TCGTTTCTGACCTCCAGCTCCTGGAACAAGGTCAGTGGAACATGACCTTCTGACATTAAC-3'
Protein context (NP_001185879.1, residues 699-719): FTALNEGNSA[Phe709Ile]VSDLQLLEQV